The following is an entry in ClinVar:

ClinVar aggregate classification (germline): Likely benign (1 of 4 stars; one submission).

gnomAD v4.1: 51 of 1,612,820 alleles (0.0032%); highest among the groups gnomAD compares: East Asian, 0.065%; 1 homozygote.

Submission:

CeGaT Center for Human Genetics Tuebingen
Classification: Likely benign. Last evaluated: 2025-12-01. Review status: criteria provided, single submitter. Criteria: CeGaT Center For Human Genetics Tuebingen Variant Classification Criteria Version 2. Collection method: clinical testing. Allele origin: germline. Affected: yes. Observed: 1 variant allele.
Comment: AHNAK2: BP4

NM_138420.4(AHNAK2):c.11305G>A (p.Val3769Met)

Gene: AHNAK2 (AHNAK nucleoprotein 2; minus strand). Cytogenetic location: 14q32.33.
Variant type: single nucleotide variant.
Coding change: c.11305G>A on transcript NM_138420.4 (MANE Select); coding-DNA position 11305, G replaced by A.
Protein change: p.Val3769Met; replaces valine 3769 with methionine.
Molecular consequence: missense variant.
Genome position (GRCh38, 1-based): chr14:104,944,146, C>T on the plus strand (G>A on the coding strand, the complement: AHNAK2 is on the minus strand). VCF-style: chr14-104944146-C-T. GRCh37 (hg19) VCF-style: chr14-105410483-C-T.
Other names: c.11005G>A, p.Val3669Met (NM_001350929.2); short protein forms V3669M, V3769M.
Identifiers: ClinVar variation 4821391 (VCV004821391.4).
Genomic context (GRCh38, chr14:104,944,146, plus strand): 5'-GGTCCCCCTCCAGCTGTGCACTATCCAGTTTGGCTCTTGGGGCCTGGACGTCCACCTCCA[C>T]GCTGGGCAGAGACACCTCCACATCAGGGGCTGTGACTTCCGCCTTGGAGACTTTTAGGTC-3'
Protein context (NP_612429.2, residues 3759-3779): APDVEVSLPS[Val3769Met]EVDVQAPRAK